The following is an entry in ClinVar:

ClinVar aggregate classification (germline): Likely benign (1 of 4 stars; one submission).

gnomAD v4.1: 7 of 1,607,604 alleles (0.00044%); highest among the groups gnomAD compares: Non-Finnish European, 0.00051%; no homozygotes.

Submission:

CeGaT Center for Human Genetics Tuebingen
Classification: Likely benign. Last evaluated: 2025-09-01. Review status: criteria provided, single submitter. Criteria: CeGaT Center For Human Genetics Tuebingen Variant Classification Criteria Version 2. Collection method: clinical testing. Allele origin: germline. Affected: yes. Observed: 1 variant allele.
Comment: YIF1B: BP4, BP7

NM_001039672.3(YIF1B):c.822C>T (p.Asp274=)

Gene: YIF1B (Yip1 interacting factor homolog B, membrane trafficking protein; minus strand). Cytogenetic location: 19q13.2.
Variant type: single nucleotide variant.
Coding change: c.822C>T on transcript NM_001039672.3 (MANE Select); coding-DNA position 822, C replaced by T.
Protein change: p.Asp274=; no amino-acid change (aspartic acid 274 retained).
Molecular consequence: synonymous variant. On other transcripts: 3 prime UTR variant (1).
Genome position (GRCh38, 1-based): chr19:38,305,475, G>A on the plus strand (C>T on the coding strand, the complement: YIF1B is on the minus strand). VCF-style: chr19-38305475-G-A. GRCh37 (hg19) VCF-style: chr19-38796115-G-A.
Other names: c.777C>T, p.Asp259= (NM_001039671.3); c.813C>T, p.Asp271= (NM_001039673.3); c.771C>T, p.Asp257= (NM_001145461.2); c.729C>T, p.Asp243= (NM_001145462.2); c.*14C>T (NM_001145463.2).
Identifiers: ClinVar variation 4281118 (VCV004281118.7).
Genomic context (GRCh38, chr19:38,305,475, plus strand): 5'-GGTCAGGTACATGCGCAGCTGGTTCCGGGCCCCACGCACCGGGACCCCCTCAGCTGCTGC[G>A]TCTGCCAAGATCTTCAGCCGCAGCGTCCGGATCTGGGTGGGAAAGAGAGAGAGGAACCAA-3'
Protein context (NP_001034761.1, residues 264-284): IRTLRLKILA[Asp274=]AAAEGVPVRG